The following is an entry in ClinVar:

NM_002272.4(KRT4):c.720C>T (p.Asp240=)

Gene: KRT4 (keratin 4; minus strand). Cytogenetic location: 12q13.13.
Variant type: single nucleotide variant.
Coding change: c.720C>T on transcript NM_002272.4 (MANE Select); coding-DNA position 720, C replaced by T.
Protein change: p.Asp240=; no amino-acid change (aspartic acid 240 retained).
Molecular consequence: synonymous variant.
Genome position (GRCh38, 1-based): chr12:52,810,774, G>A on the plus strand (C>T on the coding strand, the complement: KRT4 is on the minus strand). VCF-style: chr12-52810774-G-A. GRCh37 (hg19) VCF-style: chr12-53204558-G-A.
Identifiers: ClinVar variation 3033342 (VCV003033342.2), dbSNP rs371875636, ClinGen allele CA6588639.

ClinVar aggregate classification (germline): Likely benign (0 of 4 stars; one submission).

Conditions:
KRT4-related disorder. Also called: KRT4-related condition.

Allele frequency attached by ClinVar (database versions not stated): ExAC 0.00001; TOPMed 0.00005; gnomAD 0.00007; ESP Exome Variant Server 0.00016.
gnomAD v4.1: 14 of 1,614,028 alleles (0.00087%); highest among the groups gnomAD compares: African/African-American, 0.016%; no homozygotes.

Submission:

PreventionGenetics, part of Exact Sciences
Classification: Likely benign for KRT4-related condition. Last evaluated: 2020-01-20. Review status: no assertion criteria provided. Collection method: clinical testing. Allele origin: germline.
Comment: This variant is classified as likely benign based on ACMG/AMP sequence variant interpretation guidelines (Richards et al. 2015 PMID: 25741868, with internal and published modifications).